The following continues an entry in ClinVar:

NM_007294.4(BRCA1):c.5090G>A (p.Cys1697Tyr)

Gene: BRCA1. ClinVar aggregate classification (germline): Likely pathogenic. Likely pathogenic (1).

Submissions 7 to 12 of 12:

GeneDx
Classification: Pathogenic. Last evaluated: 2023-01-26. Review status: criteria provided, single submitter. Criteria: GeneDx Variant Classification Process June 2021. Collection method: clinical testing. Allele origin: germline. Affected: yes. Not counted in ClinVar's aggregate classification.
Comment: In silico analysis supports that this missense variant has a deleterious effect on protein structure/function; Not observed at significant frequency in large population cohorts (gnomAD); Also known as 5209G>A; This variant is associated with the following publications: (PMID: 18465347, 24729269, 11389159, 15133502, 21447777, 28781887, 17305420, 20516115, 32377563, 32257056, 29884841, 25348405, 24389207, 11157798, 35665744, 30209399, 16528612, 14534301, 30263132, 30765603, 30982232, 29470806)

Juno Genomics, Hangzhou Juno Genomics, Inc
Classification: Likely pathogenic for Breast-ovarian cancer, familial, susceptibility to, 1. Review status: criteria provided, single submitter. Criteria: ACMG Guidelines, 2015. Collection method: clinical testing. Allele origin: germline. Affected: yes. Not counted in ClinVar's aggregate classification.
Comment: Absent from controls (or at extremely low frequency if recessive) in Genome Aggregation Database, Exome Sequencing Project, 1000 Genomes Project, or Exome Aggregation Consortium.;Well-established in vitro or in vivo functional studies supportive of a damaging effect on the gene or gene product.;The prevalence of the variant in affected individuals is significantly increased compared to the prevalence in controls.;Patient's phenotype or family history is highly specific for a disease with a single genetic etiology.

Foulkes Cancer Genetics LDI, Lady Davis Institute for Medical Research
Classification: Uncertain significance for Breast and/or ovarian cancer. Last evaluated: 2013-03-15. Review status: no assertion criteria provided. Collection method: clinical testing. Allele origin: germline. Study: The Canadian Open Genetics Repository (COGR). Not counted in ClinVar's aggregate classification.

Sharing Clinical Reports Project (SCRP)
Classification: Uncertain significance for Breast-ovarian cancer, familial 1. Last evaluated: 2011-12-09. Review status: no assertion criteria provided. Collection method: clinical testing. Allele origin: germline. Not counted in ClinVar's aggregate classification.

Brotman Baty Institute, University of Washington
No classification provided (evidence only). Condition: Breast-ovarian cancer, familial 1. Review status: no classification provided. Collection method: in vitro. Allele origin: not applicable. Functional consequence: functionally_abnormal. Not counted in ClinVar's aggregate classification.
ClinVar note: "not provided" was previously submitted as the classification for the variant. However, the classification appeared to be based only on an observation of functional data so it was converted to no classification on 2025-07-30.

Department of Pathology and Laboratory Medicine, Sinai Health System
Classification: Uncertain significance for Malignant tumor of breast. Review status: no assertion criteria provided. Collection method: clinical testing. Allele origin: unknown. Affected: yes. Study: The Canadian Open Genetics Repository (COGR). Not counted in ClinVar's aggregate classification.
Comment: The BRCA1 p.Cys1697Tyr variant was not identified in the literature nor was it identified in the Exome Variant Server, HGMD, UMD, COSMIC, LOVD or BIC databases. The p.Cys1697 residue is conserved across mammals and lower organisms, and computational analyses (PolyPhen2, SIFT, AlignGVGD, BLOSUM) suggest that the p.Cys1697Tyr variant may impact the protein. In addition, Domchek (2013) notes that this residue is required for BRCA1 carboxyl-terminal (BRCT) domain function in DNA repair and tumor suppression. However, this information is not predictive enough to assume pathogenicity. A different variant at this amino acid position, p.Cys1697Arg (c.5089T>C) has been reported in the literature and in the HGMD, UMD, BIC and LOVD databases. Five functional studies have demonstrated that the p.Cys1697Arg variant has an impact on protein structure or expression (Bergthorsson 2001, Lee 2010, Vallon-Christersson 2001, Williams 2003, Williams 2004) and one study showed segregation of this variant with disease in one family (Vallon-Christersson 2001), which suggests that this residue is important to BRCA1 function. However, it should be noted that these results are limited to the substitution of an amino acid (p.Cys1697Arg) that differs from the variant that was found (p.Cys1697Tyr). In summary, based on the above information, the clinical significance of this variant cannot be determined at this time. Therefore, this variant is classified as a variant of unknown significance.

Literature cited by the submitters: PubMed 30209399 (cited by 5 submitters); PubMed 30765603 (cited by ClinGen ENIGMA BRCA1 and BRCA2 Variant Curation Expert Panel, ClinGen); PubMed 28781887 (cited by 3 submitters); PubMed 25085752 (cited by Myriad Genetics, Inc.); PubMed 24729269 (cited by 3 submitters); PubMed 29470806 (cited by Labcorp Genetics (formerly Invitae), Labcorp and Women's Health and Genetics/Laboratory Corporation of America, LabCorp); PubMed 11157798 (cited by Labcorp Genetics (formerly Invitae), Labcorp and Ambry Genetics); PubMed 11389159 (cited by Labcorp Genetics (formerly Invitae), Labcorp and Ambry Genetics); PubMed 18465347 (cited by Labcorp Genetics (formerly Invitae), Labcorp); PubMed 30982232 (cited by Women's Health and Genetics/Laboratory Corporation of America, LabCorp and Ambry Genetics); PubMed 37523182 (cited by Women's Health and Genetics/Laboratory Corporation of America, LabCorp); PubMed 36660366 (cited by Women's Health and Genetics/Laboratory Corporation of America, LabCorp); PubMed 14534301 (cited by Ambry Genetics); PubMed 15133502 (cited by Ambry Genetics); PubMed 16528612 (cited by Ambry Genetics); PubMed 17305420 (cited by Ambry Genetics); PubMed 20516115 (cited by Ambry Genetics); PubMed 21447777 (cited by Ambry Genetics).